The following is an entry in ClinVar:

ClinVar aggregate classification (germline): Uncertain significance (1 of 4 stars; one submission).

Allele frequency attached by ClinVar (database versions not stated): TOPMed below 0.00001; gnomAD 0.00001; gnomAD exomes 0.00001.
gnomAD v4.1: 4 of 1,613,710 alleles (0.00025%); highest among the groups gnomAD compares: South Asian, 0.0011%; no homozygotes.

Submission:

Labcorp Genetics (formerly Invitae), Labcorp
Classification: Uncertain significance. Last evaluated: 2022-10-07. Review status: criteria provided, single submitter. Criteria: Invitae Variant Classification Sherloc (09022015). Collection method: clinical testing. Allele origin: germline.
Comment: Algorithms developed to predict the effect of missense changes on protein structure and function (SIFT, PolyPhen-2, Align-GVGD) all suggest that this variant is likely to be tolerated. In summary, the available evidence is currently insufficient to determine the role of this variant in disease. Therefore, it has been classified as a Variant of Uncertain Significance. This variant has not been reported in the literature in individuals affected with CCT2-related conditions. This variant is present in population databases (no rsID available, gnomAD 0.0009%). This sequence change replaces leucine, which is neutral and non-polar, with proline, which is neutral and non-polar, at codon 340 of the CCT2 protein (p.Leu340Pro).

NM_006431.3(CCT2):c.1019T>C (p.Leu340Pro)

Gene: CCT2 (chaperonin containing TCP1 subunit 2; plus strand). Cytogenetic location: 12q15.
Variant type: single nucleotide variant.
Coding change: c.1019T>C on transcript NM_006431.3 (MANE Select); coding-DNA position 1019, T replaced by C.
Protein change: p.Leu340Pro; replaces leucine 340 with proline.
Molecular consequence: missense variant.
Genome position (GRCh38, 1-based): chr12:69,597,192, T>C. VCF-style: chr12-69597192-T-C. GRCh37 (hg19) VCF-style: chr12-69990972-T-C.
Other names: c.878T>C, p.Leu293Pro (NM_001198842.2); short protein forms L293P, L340P.
Identifiers: ClinVar variation 1721179 (VCV001721179.5), dbSNP rs1441202314, ClinGen allele CA385730153.